The following is an entry in ClinVar:

ClinVar aggregate classification (germline): Uncertain significance. Review status: criteria provided, multiple submitters, no conflicts (2 of 4 stars). 3 submissions from 3 submitters: Uncertain significance (3). Last evaluated 2024-05-16.

Conditions:
Inborn genetic diseases. Identifiers: MedGen C0950123, MeSH D030342.
RFT1-congenital disorder of glycosylation (CDG1N). Also called: CDG In; Congenital disorder of glycosylation type In; RFT1-CDG. Identifiers: Orphanet 244310, MedGen C2677590, MONDO:0012783, OMIM 612015.

Allele frequency attached by ClinVar (database versions not stated): ExAC 0.00001; gnomAD exomes 0.00001 and 0.00003; ESP Exome Variant Server 0.00008; TOPMed 0.00008; gnomAD 0.00012 and 0.00013.

Submissions (3):

Ambry Genetics
Classification: Uncertain significance for Inborn genetic diseases. Last evaluated: 2024-05-16. Review status: criteria provided, single submitter. Criteria: Ambry Variant Classification Scheme 2023. Collection method: clinical testing. Allele origin: germline.

Labcorp Genetics (formerly Invitae), Labcorp
Classification: Uncertain significance for RFT1-congenital disorder of glycosylation. Last evaluated: 2022-10-13. Review status: criteria provided, single submitter. Criteria: Invitae Variant Classification Sherloc (09022015). Collection method: clinical testing. Allele origin: germline.
Comment: This sequence change replaces isoleucine, which is neutral and non-polar, with threonine, which is neutral and polar, at codon 35 of the RFT1 protein (p.Ile35Thr). This variant is present in population databases (rs146354877, gnomAD 0.002%). This variant has not been reported in the literature in individuals affected with RFT1-related conditions. ClinVar contains an entry for this variant (Variation ID: 900356). Advanced modeling of protein sequence and biophysical properties (such as structural, functional, and spatial information, amino acid conservation, physicochemical variation, residue mobility, and thermodynamic stability) performed at Invitae indicates that this missense variant is not expected to disrupt RFT1 protein function. In summary, the available evidence is currently insufficient to determine the role of this variant in disease. Therefore, it has been classified as a Variant of Uncertain Significance.

Illumina Laboratory Services, Illumina
Classification: Uncertain significance for RFT1-congenital disorder of glycosylation. Last evaluated: 2018-01-13. Review status: criteria provided, single submitter. Criteria: ICSL Variant Classification Criteria 13 December 2019. Collection method: clinical testing. Allele origin: germline.

NM_052859.4(RFT1):c.104T>C (p.Ile35Thr)

Gene: RFT1 (RFT1 glycolipid translocator homolog; minus strand). Cytogenetic location: 3p21.1.
Variant type: single nucleotide variant.
Coding change: c.104T>C on transcript NM_052859.4 (MANE Select); coding-DNA position 104, T replaced by C.
Protein change: p.Ile35Thr; replaces isoleucine 35 with threonine.
Molecular consequence: missense variant.
Genome position (GRCh38, 1-based): chr3:53,125,954, A>G on the plus strand (T>C on the coding strand, the complement: RFT1 is on the minus strand). VCF-style: chr3-53125954-A-G. GRCh37 (hg19) VCF-style: chr3-53159970-A-G.
Other names: short protein forms I35T.
Identifiers: ClinVar variation 900356 (VCV000900356.8), dbSNP rs146354877, ClinGen allele CA2451551.